The following is an entry in ClinVar:

NM_170784.3(MKKS):c.518A>C (p.His173Pro)

Gene: MKKS (MKKS centrosomal shuttling protein; minus strand). Cytogenetic location: 20p12.2.
Variant type: single nucleotide variant.
Coding change: c.518A>C on transcript NM_170784.3 (MANE Select); coding-DNA position 518, A replaced by C.
Protein change: p.His173Pro; replaces histidine 173 with proline.
Molecular consequence: missense variant.
Genome position (GRCh38, 1-based): chr20:10,412,997, T>G on the plus strand (A>C on the coding strand, the complement: MKKS is on the minus strand). VCF-style: chr20-10412997-T-G. GRCh37 (hg19) VCF-style: chr20-10393645-T-G.
Other names: c.518A>C, p.His173Pro (NM_018848.3); short protein forms H173P.
Identifiers: ClinVar variation 3339524 (VCV003339524.1).
Genomic context (GRCh38, chr20:10,412,997, plus strand): 5'-TGGCCTTCAGCATTTTCTGGAATTGTAAGCAAAAAGGCTCTCAGGATCAAAGCACTGACA[T>G]GCTCTGTTTCCTTTCTGGTGAGCATACAGGCAGGTTTACTTGTTAATATACTACGCACCA-3'
Protein context (NP_740754.1, residues 163-183): ACMLTRKETE[His173Pro]VSALILRAFL

ClinVar aggregate classification (germline): Likely pathogenic (1 of 4 stars; one submission).

Conditions:
Bardet-Biedl syndrome (BBS). Identifiers: Orphanet 110, MedGen C0752166, MONDO:0015229.

Submission:

Women's Health and Genetics/Laboratory Corporation of America, LabCorp
Classification: Likely pathogenic for Bardet-Biedl syndrome. Last evaluated: 2024-06-14. Review status: criteria provided, single submitter. Criteria: LabCorp Variant Classification Summary - May 2015. Collection method: clinical testing. Allele origin: germline.
Comment: Variant summary: MKKS c.518A>C (p.His173Pro) results in a non-conservative amino acid change in the encoded protein sequence. Three of five in-silico tools predict a damaging effect of the variant on protein function. The variant was absent in 251078 control chromosomes (gnomAD). c.518A>C has been reported in the literature in three homozygous individuals from a family of Indian origin affected with autosomal recessive retinitis pigmentosa and polydactyly of both hands and feet, without any other symptoms of Bardet-Biedl syndrome. The variant segregated with the disease in this family (Goyal_2020). To our knowledge, no experimental evidence demonstrating an impact on protein function has been reported. The following publication has been ascertained in the context of this evaluation (PMID: 31989739). No submitters have cited clinical-significance assessments for this variant to ClinVar. Based on the evidence outlined above, the variant was classified as likely pathogenic.

Literature cited by the submitters: PubMed 31989739.